The following is an entry in ClinVar:

NM_000229.2(LCAT):c.949_950del (p.Met317fs)

Gene: LCAT (lecithin-cholesterol acyltransferase; minus strand). Cytogenetic location: 16q22.1.
Variant type: Deletion.
Coding change: c.949_950del on transcript NM_000229.2 (MANE Select); coding-DNA positions 949 to 950, 2 bases deleted (AT; older notation c.949_950delAT).
Protein change: p.Met317fs; shifts the reading frame from methionine 317.
Molecular consequence: frameshift variant.
Genome position (GRCh38, 1-based): chr16:67,940,277-67,940,278, AT deleted on the plus strand (AT on the coding strand, the reverse complement: LCAT is on the minus strand). VCF-style (leftmost placement, unchanged base first): chr16-67940276-CAT-C. GRCh37 (hg19) VCF-style: chr16-67974179-CAT-C.
Other names: short protein forms M317fs.
Identifiers: ClinVar variation 4614481 (VCV004614481.1).

ClinVar aggregate classification (germline): Likely pathogenic (1 of 4 stars; one submission).

Conditions:
Cardiovascular phenotype. Identifiers: MedGen CN230736.

Submission:

Ambry Genetics
Classification: Likely pathogenic for Cardiovascular phenotype. Last evaluated: 2025-11-04. Review status: criteria provided, single submitter. Criteria: Ambry Variant Classification Scheme 2023. Collection method: clinical testing. Allele origin: germline.
Comment: The c.949_950delAT variant, located in coding exon 6 of the LCAT gene, results from a deletion of two nucleotides at nucleotide positions 949 to 950, causing a translational frameshift with a predicted alternate stop codon (p.M317Vfs*6). This alteration occurs at the 3' terminus of the gene, is not expected to trigger nonsense-mediated mRNA decay, and impacts the last 26% of the protein. However, premature stop codons are typically deleterious in nature and the impacted region is critical for protein function and a significant portion of the protein is affected (Ambry internal data). This variant is considered to be rare based on population cohorts in the Genome Aggregation Database (gnomAD). Based on the majority of available evidence to date, this variant is likely to be pathogenic.